The following is an entry in ClinVar:

NM_001024630.4(RUNX2):c.246_260dup (p.Ala85_Ala89dup)

Genes: RUNX2 (RUNX family transcription factor 2; plus strand), LOC109611589 (runt related transcription factor 2 polyalanine expansion region; plus strand). Cytogenetic location: 6p21.1.
Variant type: Duplication.
Coding change: c.246_260dup on transcript NM_001024630.4 (MANE Select); coding-DNA positions 246 to 260, 15 bases duplicated (GGCTGCGGCGGCGGC).
Protein change: p.Ala85_Ala89dup.
Molecular consequence: inframe insertion.
Genome position (GRCh38, 1-based): chr6:45,422,780-45,422,794, GGCTGCGGCGGCGGC duplicated; duplicating any 15 consecutive bases within chr6:45,422,769-45,422,794 gives the same sequence; the c. name uses the placement nearest the transcript's 3' end. VCF-style (leftmost placement, unchanged base first): chr6-45422768-G-GGCGGCGGCGGCGGCT. GRCh37 (hg19) VCF-style: chr6-45390505-G-GGCGGCGGCGGCGGCT.
Other names: c.246_260dup, p.Ala85_Ala89dup (NM_001015051.4); c.204_218dup, p.Ala71_Ala75dup (NM_001278478.2, NM_001369405.1).
Identifiers: ClinVar variation 1377609 (VCV001377609.8), dbSNP rs758081485, ClinGen allele CA567156257.

ClinVar aggregate classification (germline): Uncertain significance (1 of 4 stars; one submission).

Submission:

Labcorp Genetics (formerly Invitae), Labcorp
Classification: Uncertain significance. Last evaluated: 2025-09-28. Review status: criteria provided, single submitter. Criteria: Invitae Variant Classification Sherloc (09022015). Collection method: clinical testing. Allele origin: germline.
Comment: This variant, c.246_260dup, results in the insertion of 5 amino acid(s) of the RUNX2 protein (p.Ala85_Ala89dup), but otherwise preserves the integrity of the reading frame. The frequency data for this variant in the population databases is considered unreliable, as metrics indicate poor data quality at this position in the gnomAD database. This variant has not been reported in the literature in individuals affected with RUNX2-related conditions. ClinVar contains an entry for this variant (Variation ID: 1377609). Experimental studies and prediction algorithms are not available or were not evaluated, and the functional significance of this variant is currently unknown. In summary, the available evidence is currently insufficient to determine the role of this variant in disease. Therefore, it has been classified as a Variant of Uncertain Significance.